The following is an entry in ClinVar:

NM_001354483.2(CSGALNACT1):c.1417T>C (p.Phe473Leu)

Gene: CSGALNACT1 (chondroitin sulfate N-acetylgalactosaminyltransferase 1; minus strand). Cytogenetic location: 8p21.3.
Variant type: single nucleotide variant.
Coding change: c.1417T>C on transcript NM_001354483.2 (MANE Select); coding-DNA position 1417, T replaced by C.
Protein change: p.Phe473Leu; replaces phenylalanine 473 with leucine.
Molecular consequence: missense variant. On other transcripts: non-coding transcript variant (7).
Genome position (GRCh38, 1-based): chr8:19,405,962, A>G on the plus strand (T>C on the coding strand, the complement: CSGALNACT1 is on the minus strand). VCF-style: chr8-19405962-A-G. GRCh37 (hg19) VCF-style: chr8-19263473-A-G.
Other names: c.1417T>C, p.Phe473Leu (NM_001130518.2, NM_001354475.2, NM_001354476.2 and 18 more transcripts); short protein forms F473L.
Identifiers: ClinVar variation 2183510 (VCV002183510.4), dbSNP rs2537339613, ClinGen allele CA370458887.

ClinVar aggregate classification (germline): Uncertain significance (1 of 4 stars; one submission).

Allele frequency attached by ClinVar (database versions not stated): gnomAD exomes below 0.00001.
gnomAD v4.1: 2 of 1,614,164 alleles (0.00012%); highest among the groups gnomAD compares: South Asian, 0.0011%; no homozygotes.

Submission:

Labcorp Genetics (formerly Invitae), Labcorp
Classification: Uncertain significance. Last evaluated: 2022-10-28. Review status: criteria provided, single submitter. Criteria: Invitae Variant Classification Sherloc (09022015). Collection method: clinical testing. Allele origin: germline.
Comment: This sequence change replaces phenylalanine, which is neutral and non-polar, with leucine, which is neutral and non-polar, at codon 473 of the CSGALNACT1 protein (p.Phe473Leu). This variant is not present in population databases (gnomAD no frequency). This variant has not been reported in the literature in individuals affected with CSGALNACT1-related conditions. Advanced modeling of protein sequence and biophysical properties (such as structural, functional, and spatial information, amino acid conservation, physicochemical variation, residue mobility, and thermodynamic stability) performed at Invitae indicates that this missense variant is not expected to disrupt CSGALNACT1 protein function. In summary, the available evidence is currently insufficient to determine the role of this variant in disease. Therefore, it has been classified as a Variant of Uncertain Significance.